The following is an entry in ClinVar:

ClinVar aggregate classification (germline): Uncertain significance (1 of 4 stars; one submission).

Submission:

Ambry Genetics
Classification: Uncertain significance. Last evaluated: 2023-06-27. Review status: criteria provided, single submitter. Criteria: Ambry Variant Classification Scheme 2023. Collection method: clinical testing. Allele origin: germline.
Comment: The p.L164P variant (also known as c.491T>C), located in coding exon 7 of the RAD54L gene, results from a T to C substitution at nucleotide position 491. The leucine at codon 164 is replaced by proline, an amino acid with similar properties. This amino acid position is conserved. In addition, this alteration is predicted to be deleterious by in silico analysis. Since supporting evidence is limited at this time, the clinical significance of this alteration remains unclear.

NM_003579.4(RAD54L):c.491T>C (p.Leu164Pro)

Gene: RAD54L (RAD54 like; plus strand). Cytogenetic location: 1p34.1.
Variant type: single nucleotide variant.
Coding change: c.491T>C on transcript NM_003579.4 (MANE Select); coding-DNA position 491, T replaced by C.
Protein change: p.Leu164Pro; replaces leucine 164 with proline.
Molecular consequence: missense variant. On other transcripts: 5 prime UTR variant (1).
Genome position (GRCh38, 1-based): chr1:46,260,740, T>C. VCF-style: chr1-46260740-T-C. GRCh37 (hg19) VCF-style: chr1-46726412-T-C.
Other names: c.491T>C, p.Leu164Pro (NM_001142548.2); c.-50T>C (NM_001370766.1); short protein forms L164P.
Identifiers: ClinVar variation 2595694 (VCV002595694.2), dbSNP rs2525668528, ClinGen allele CA340185439.